The following is an entry in ClinVar:

NM_000400.4(ERCC2):c.629A>G (p.His210Arg)

Gene: ERCC2 (ERCC excision repair 2, TFIIH core complex helicase subunit; minus strand). Cytogenetic location: 19q13.32.
Variant type: single nucleotide variant.
Coding change: c.629A>G on transcript NM_000400.4 (MANE Select); coding-DNA position 629, A replaced by G.
Protein change: p.His210Arg; replaces histidine 210 with arginine.
Molecular consequence: missense variant.
Genome position (GRCh38, 1-based): chr19:45,364,513, T>C on the plus strand (A>G on the coding strand, the complement: ERCC2 is on the minus strand). VCF-style: chr19-45364513-T-C. GRCh37 (hg19) VCF-style: chr19-45867771-T-C.
Other names: c.557A>G, p.His186Arg (NM_001130867.2); short protein forms H186R, H210R.
Identifiers: ClinVar variation 3509815 (VCV003509815.1).

ClinVar aggregate classification (germline): Uncertain significance (1 of 4 stars; one submission).

Conditions:
Inborn genetic diseases. Identifiers: MedGen C0950123, MeSH D030342.

Submission:

Ambry Genetics
Classification: Uncertain significance for Inborn genetic diseases. Last evaluated: 2024-10-05. Review status: criteria provided, single submitter. Criteria: Ambry Variant Classification Scheme 2023. Collection method: clinical testing. Allele origin: germline.
Comment: The p.H210R variant (also known as c.629A>G), located in coding exon 8 of the ERCC2 gene, results from an A to G substitution at nucleotide position 629. The histidine at codon 210 is replaced by arginine, an amino acid with highly similar properties. This amino acid position is conserved. In addition, this alteration is predicted to be deleterious by in silico analysis. Based on the available evidence, the clinical significance of this variant remains unclear.